The following is an entry in ClinVar:

NM_004432.5(ELAVL2):c.972G>A (p.Met324Ile)

Gene: ELAVL2 (ELAV like RNA binding protein 2; minus strand). Cytogenetic location: 9p21.3.
Variant type: single nucleotide variant.
Coding change: c.972G>A on transcript NM_004432.5 (MANE Select); coding-DNA position 972, G replaced by A.
Protein change: p.Met324Ile; replaces methionine 324 with isoleucine.
Molecular consequence: missense variant.
Genome position (GRCh38, 1-based): chr9:23,692,665, C>T on the plus strand (G>A on the coding strand, the complement: ELAVL2 is on the minus strand). VCF-style: chr9-23692665-C-T. GRCh37 (hg19) VCF-style: chr9-23692663-C-T.
Other names: c.933G>A, p.Met311Ile (NM_001171195.2, NM_001171197.2, NM_001351477.2 and 2 more transcripts); c.1062G>A, p.Met354Ile (NM_001351455.2, NM_001385697.1, NM_001385698.1 and 1 more transcripts); c.1059G>A, p.Met353Ile (NM_001351456.2, NM_001351457.2, NM_001351458.2 and 6 more transcripts); c.1056G>A, p.Met352Ile (NM_001351462.2, NM_001351463.2); c.1020G>A, p.Met340Ile (NM_001351464.2, NM_001351465.2, NM_001385701.1); c.1014G>A, p.Met338Ile (NM_001351466.2); c.975G>A, p.Met325Ile (NM_001351467.2, NM_001351468.2, NM_001351469.2 and 4 more transcripts); c.972G>A, p.Met324Ile (NM_001351472.2, NM_001351473.2, NM_001351474.2 and 3 more transcripts); and 3 more; short protein forms M311I, M324I, M325I, M326I, M338I, M339I, M340I, M341I.
Identifiers: ClinVar variation 4975178 (VCV004975178.1).

ClinVar aggregate classification (germline): Uncertain significance (1 of 4 stars; one submission).

Submission:

GeneDx
Classification: Uncertain significance. Last evaluated: 2025-08-18. Review status: criteria provided, single submitter. Criteria: GeneDx Variant Classification Process June 2021. Collection method: clinical testing. Allele origin: germline.
Comment: Not observed at significant frequency in large population cohorts (gnomAD); In silico analysis supports that this missense variant has a deleterious effect on protein structure/function; Has not been previously published as pathogenic or benign to our knowledge; Variants in candidate genes are classified as variants of uncertain significance in accordance with ACMG guidelines (PMID: 25741868)